The following is an entry in ClinVar:

ClinVar aggregate classification (germline): Conflicting classifications of pathogenicity. Review status: criteria provided, conflicting classifications (1 of 4 stars). 2 submissions from 2 submitters: Likely pathogenic (1); Uncertain significance (1). Last evaluated 2019-05-12.

Conditions:
Catecholaminergic polymorphic ventricular tachycardia 1. Also called: RYR2-Related Catecholaminergic Polymorphic Ventricular Tachycardia; VENTRICULAR TACHYCARDIA, CATECHOLAMINERGIC POLYMORPHIC, 1, WITH OR WITHOUT ATRIAL DYSFUNCTION AND/OR DILATED CARDIOMYOPATHY; VENTRICULAR TACHYCARDIA, STRESS-INDUCED POLYMORPHIC 1. Identifiers: Orphanet 3286, MedGen C1631597, MONDO:0011484, OMIM 604772.

Submissions (2):

Labcorp Genetics (formerly Invitae), Labcorp
Classification: Uncertain significance for Catecholaminergic polymorphic ventricular tachycardia 1. Last evaluated: 2019-05-12. Review status: criteria provided, single submitter. Criteria: Invitae Variant Classification Sherloc (09022015). Collection method: clinical testing. Allele origin: germline.
Comment: Algorithms developed to predict the effect of missense changes on protein structure and function are either unavailable or do not agree on the potential impact of this missense change (SIFT: "Deleterious"; PolyPhen-2: "Probably Damaging"; Align-GVGD: "Class C0"). In summary, the available evidence is currently insufficient to determine the role of this variant in disease. Therefore, it has been classified as a Variant of Uncertain Significance. This variant has not been reported in the literature in individuals with RYR2-related conditions. ClinVar contains an entry for this variant (Variation ID: 201313). This variant is not present in population databases (ExAC no frequency). This sequence change replaces glycine with aspartic acid at codon 3863 of the RYR2 protein (p.Gly3863Asp). The glycine residue is highly conserved and there is a moderate physicochemical difference between glycine and aspartic acid.

GeneDx
Classification: Likely pathogenic. Last evaluated: 2013-02-06. Review status: criteria provided, single submitter. Criteria: GeneDx Variant Classification (06012015). Collection method: clinical testing. Allele origin: germline. Affected: yes.
Comment: p.Gly3863Asp (GGC>GAC): c.11588 G>A in exon 86 of the RYR2 gene (NM_001035.2). The Gly3863Asp variant in the RYR2 gene has not been reported as a disease-causing mutation or as a benign polymorphism to our knowledge. Gly3863Asp results in a non-conservative amino acid substitution of a neutral Glycine with a negatively-charged Aspartic acid at a position that is highly conserved across species. Consequently, in silico analysis predicts Gly3863Asp is damaging to the protein structure/function. Gly3863Asp is located in the channel region, a mutation hotspot region of the RYR2 gene (Medeiros-Domingo A et al., 2009). The Gly3863Asp variant was not observed in approximately 6,000 individuals of European and African American ancestry in the NHLBI Exome Sequencing Project, indicating it is not a common benign variant in these populations. However, control data from individuals of other ethnic backgrounds was not available to assess for a population-specific benign polymorphism. In summary, Gly3863Asp is a good candidate for a disease-causing mutation. The variant is found in POSTMORTEM panel(s).

NM_001035.3(RYR2):c.11588G>A (p.Gly3863Asp)

Gene: RYR2 (ryanodine receptor 2; plus strand). Cytogenetic location: 1q43.
Variant type: single nucleotide variant.
Coding change: c.11588G>A on transcript NM_001035.3 (MANE Select); coding-DNA position 11588, G replaced by A.
Protein change: p.Gly3863Asp; replaces glycine 3863 with aspartic acid.
Molecular consequence: missense variant.
Genome position (GRCh38, 1-based): chr1:237,772,042, G>A. VCF-style: chr1-237772042-G-A. GRCh37 (hg19) VCF-style: chr1-237935342-G-A.
Other names: p.G3863D:GGC>GAC; c.11588G>A, p.Gly3863Asp (LRG_402t1); short protein forms G3863D.
Identifiers: ClinVar variation 201313 (VCV000201313.13), dbSNP rs794728775, ClinGen allele CA007088.